The following is an entry in ClinVar:

NM_000271.5(NPC1):c.2374-8C>T

Gene: NPC1 (NPC intracellular cholesterol transporter 1; minus strand). Cytogenetic location: 18q11.2.
Variant type: single nucleotide variant.
Coding change: c.2374-8C>T on transcript NM_000271.5 (MANE Select); 8 bases into the intron before coding-DNA position 2374, C replaced by T.
Molecular consequence: intron variant.
Genome position (GRCh38, 1-based): chr18:23,541,216, G>A on the plus strand (C>T on the coding strand, the complement: NPC1 is on the minus strand). VCF-style: chr18-23541216-G-A. GRCh37 (hg19) VCF-style: chr18-21121180-G-A.
Identifiers: ClinVar variation 3347557 (VCV003347557.1).
Genomic context (GRCh38, chr18:23,541,216, plus strand): 5'-CTTGTTCCATCTTCAGCACCTCTGACACAGCAAAAGATGTCTAGCCGATTTTTCTGAGGG[G>A]ACAGAGGGAAACAAAGGTTATACCCGCTAGCTGCTTCCTCTAGATTCTAGACTCAAATTA-3'

ClinVar aggregate classification (germline): Likely benign (0 of 4 stars; one submission).

Conditions:
NPC1-related disorder. Also called: NPC1-related condition.

Submission:

PreventionGenetics, part of Exact Sciences
Classification: Likely benign for NPC1-related condition. Last evaluated: 2024-05-19. Review status: no assertion criteria provided. Collection method: clinical testing. Allele origin: germline.
Comment: This variant is classified as likely benign based on ACMG/AMP sequence variant interpretation guidelines (Richards et al. 2015 PMID: 25741868, with internal and published modifications).